The following is an entry in ClinVar:

ClinVar aggregate classification (germline): Uncertain significance (1 of 4 stars; one submission).

Conditions:
Hereditary cancer-predisposing syndrome. Also called: Neoplastic Syndromes, Hereditary; Tumor predisposition; Hereditary Cancer Syndrome; Hereditary neoplastic syndrome. Identifiers: Orphanet 140162, MedGen C0027672, MeSH D009386, MONDO:0015356.

Submission:

Ambry Genetics
Classification: Uncertain significance for Hereditary cancer-predisposing syndrome. Last evaluated: 2022-09-18. Review status: criteria provided, single submitter. Criteria: Ambry Variant Classification Scheme 2023. Collection method: clinical testing. Allele origin: germline.
Comment: The p.E651D variant (also known as c.1953A>C), located in coding exon 14 of the MSH3 gene, results from an A to C substitution at nucleotide position 1953. The glutamic acid at codon 651 is replaced by aspartic acid, an amino acid with highly similar properties. This amino acid position is conserved. In addition, the in silico prediction for this alteration is inconclusive. Since supporting evidence is limited at this time, the clinical significance of this alteration remains unclear.

NM_002439.5(MSH3):c.1953A>C (p.Glu651Asp)

Gene: MSH3 (mutS homolog 3; plus strand). Cytogenetic location: 5q14.1.
Variant type: single nucleotide variant.
Coding change: c.1953A>C on transcript NM_002439.5 (MANE Select); coding-DNA position 1953, A replaced by C.
Protein change: p.Glu651Asp; replaces glutamic acid 651 with aspartic acid.
Molecular consequence: missense variant.
Genome position (GRCh38, 1-based): chr5:80,767,989, A>C. VCF-style: chr5-80767989-A-C. GRCh37 (hg19) VCF-style: chr5-80063808-A-C.
Other names: short protein forms E651D.
Identifiers: ClinVar variation 1783262 (VCV001783262.2), dbSNP rs2546773590, ClinGen allele CA360277553.